The following is an entry in ClinVar:

NM_021098.3(CACNA1H):c.4286C>A (p.Pro1429His)

Gene: CACNA1H (calcium voltage-gated channel subunit alpha1 H; plus strand). Cytogenetic location: 16p13.3.
Variant type: single nucleotide variant.
Coding change: c.4286C>A on transcript NM_021098.3 (MANE Select); coding-DNA position 4286, C replaced by A.
Protein change: p.Pro1429His; replaces proline 1429 with histidine.
Molecular consequence: missense variant.
Genome position (GRCh38, 1-based): chr16:1,211,230, C>A. VCF-style: chr16-1211230-C-A. GRCh37 (hg19) VCF-style: chr16-1261230-C-A.
Other names: c.4286C>A, p.Pro1429His (NM_001005407.2); short protein forms P1429H.
Identifiers: ClinVar variation 2942257 (VCV002942257.3), dbSNP rs1045193258, ClinGen allele CA276668316.

ClinVar aggregate classification (germline): Uncertain significance (1 of 4 stars; one submission).

Conditions:
Hyperaldosteronism, familial, type IV (HALD4). Also called: FH IV; ALDOSTERONISM, PRIMARY, AND HYPERTENSION. Identifiers: Orphanet 642671, MedGen C4310756, MONDO:0014875, OMIM 617027.
Idiopathic generalized epilepsy. Also called: EIG; Generalised epilepsy. Identifiers: MedGen C0270850, MONDO:0005579, OMIM 600669.

Submission:

Labcorp Genetics (formerly Invitae), Labcorp
Classification: Uncertain significance for Idiopathic generalized epilepsy; Hyperaldosteronism, familial, type IV. Last evaluated: 2023-01-17. Review status: criteria provided, single submitter. Criteria: Invitae Variant Classification Sherloc (09022015). Collection method: clinical testing. Allele origin: germline.
Comment: In summary, the available evidence is currently insufficient to determine the role of this variant in disease. Therefore, it has been classified as a Variant of Uncertain Significance. Advanced modeling of protein sequence and biophysical properties (such as structural, functional, and spatial information, amino acid conservation, physicochemical variation, residue mobility, and thermodynamic stability) performed at Invitae indicates that this missense variant is expected to disrupt CACNA1H protein function. This variant has not been reported in the literature in individuals affected with CACNA1H-related conditions. This variant is not present in population databases (gnomAD no frequency). This sequence change replaces proline, which is neutral and non-polar, with histidine, which is basic and polar, at codon 1429 of the CACNA1H protein (p.Pro1429His).